The following is an entry in ClinVar:

ClinVar aggregate classification (germline): Likely pathogenic (1 of 4 stars; one submission).

Conditions:
Retinitis pigmentosa 25 (RP25). Identifiers: Orphanet 791, MedGen C1864446, MONDO:0011272, OMIM 602772.

Submission:

Natera, Inc.
Classification: Likely pathogenic for Retinitis pigmentosa type 25. Last evaluated: 2024-12-16. Review status: criteria provided, single submitter. Criteria: Natera Variant Classification Schema (03/2026). Collection method: clinical testing. Allele origin: germline.
Comment: The c.5120delA variant in EYS is a frameshift variant predicted to shift the reading frame beginning at codon 1707 and leads to a stop codon 3 codons downstream. This variant is expected to result in nonsense mediated decay, truncation, or a dysfunctional protein product. This variant is rare in the general population with a frequency below the threshold expected for the associated phenotype(s). Given the available evidence, this variant is classified as Likely Pathogenic.

NM_001142800.2(EYS):c.5120del (p.Tyr1707fs)

Gene: EYS (EGF-like photoreceptor maintenance factor; minus strand). Cytogenetic location: 6q12.
Variant type: Deletion.
Coding change: c.5120del on transcript NM_001142800.2 (MANE Select); coding-DNA position 5120, one base deleted (A; older notation c.5120delA).
Protein change: p.Tyr1707fs; shifts the reading frame from tyrosine 1707.
Molecular consequence: frameshift variant.
Genome position (GRCh38, 1-based): chr6:64,590,747, T deleted on the plus strand (A on the coding strand, the reverse complement: EYS is on the minus strand). VCF-style (leftmost placement, unchanged base first): chr6-64590746-AT-A. GRCh37 (hg19) VCF-style: chr6-65300639-AT-A.
Other names: c.5120del, p.Tyr1707fs (NM_001292009.2); short protein forms Y1707fs.
Identifiers: ClinVar variation 4814644 (VCV004814644.1).
Genomic context (GRCh38, chr6:64,590,746, plus strand): 5'-TTTTTCCATGTCCAATAAGCTCTCTTGATTTAGTACCTCAGTGGGTCCCATAGTTATGCC[AT>A]ATTGTCTTATTTTCAATAGTTTTAAAATGTTTTCTGATACTGACAGTTCATCAGTAGTCA-3'